The following is an entry in ClinVar:

NM_133433.4(NIPBL):c.7227_7230del (p.Phe2409fs)

Gene: NIPBL (NIPBL cohesin loading factor; plus strand). Cytogenetic location: 5p13.2.
Variant type: Deletion.
Coding change: c.7227_7230del on transcript NM_133433.4 (MANE Select); coding-DNA positions 7227 to 7230, 4 bases deleted (TCTT; older notation c.7227_7230delTCTT).
Protein change: p.Phe2409fs; shifts the reading frame from phenylalanine 2409.
Molecular consequence: frameshift variant.
Genome position (GRCh38, 1-based): chr5:37,052,530-37,052,533, TCTT deleted; deleting any 4 consecutive bases within chr5:37,052,527-37,052,533 gives the same sequence; the c. name uses the placement nearest the transcript's 3' end. VCF-style (leftmost placement, unchanged base first): chr5-37052526-CCTTT-C. GRCh37 (hg19) VCF-style: chr5-37052628-CCTTT-C.
Other names: c.7227_7230del, p.Phe2409fs (NM_015384.5); short protein forms F2409fs.
Identifiers: ClinVar variation 3642666 (VCV003642666.2).

ClinVar aggregate classification (germline): Pathogenic (1 of 4 stars; one submission).

Conditions:
Cornelia de Lange syndrome 1 (CDLS1). Also called: NIPBL-Related Cornelia de Lange Syndrome; TYPUS DEGENERATIVUS AMSTELODAMENSIS; Brachmann de Lange syndrome. Identifiers: Orphanet 199, MedGen C4551851, MONDO:0007387, OMIM 122470.

Submission:

Labcorp Genetics (formerly Invitae), Labcorp
Classification: Pathogenic for Cornelia de Lange syndrome 1. Last evaluated: 2024-02-22. Review status: criteria provided, single submitter. Criteria: Invitae Variant Classification Sherloc (09022015). Collection method: clinical testing. Allele origin: germline.
Comment: This sequence change creates a premature translational stop signal (p.Phe2409Leufs*16) in the NIPBL gene. It is expected to result in an absent or disrupted protein product. Loss-of-function variants in NIPBL are known to be pathogenic (PMID: 15318302, 19763162, 23505322, 29995837). This variant is not present in population databases (gnomAD no frequency). This variant has not been reported in the literature in individuals affected with NIPBL-related conditions. For these reasons, this variant has been classified as Pathogenic.

Literature cited by the submitters: PubMed 15318302; PubMed 19763162; PubMed 23505322; PubMed 29995837.